The following is an entry in ClinVar:

ClinVar aggregate classification (germline): Uncertain significance (1 of 4 stars; one submission).

Allele frequency attached by ClinVar (database versions not stated): gnomAD exomes below 0.00001 and 0.00001.
gnomAD v4.1: 12 of 1,613,226 alleles (0.00074%); highest among the groups gnomAD compares: Non-Finnish European, 0.001%; no homozygotes.

Submission:

Labcorp Genetics (formerly Invitae), Labcorp
Classification: Uncertain significance. Last evaluated: 2021-07-14. Review status: criteria provided, single submitter. Criteria: Invitae Variant Classification Sherloc (09022015). Collection method: clinical testing. Allele origin: germline.
Comment: Algorithms developed to predict the effect of missense changes on protein structure and function are either unavailable or do not agree on the potential impact of this missense change (SIFT: "Tolerated"; PolyPhen-2: "Probably Damaging"; Align-GVGD: "Class C0"). This sequence change replaces serine with proline at codon 706 of the GRM6 protein (p.Ser706Pro). The serine residue is highly conserved and there is a moderate physicochemical difference between serine and proline. This variant is not present in population databases (ExAC no frequency). This variant has not been reported in the literature in individuals affected with GRM6-related conditions. In summary, the available evidence is currently insufficient to determine the role of this variant in disease. Therefore, it has been classified as a Variant of Uncertain Significance.

NM_000843.4(GRM6):c.2116T>C (p.Ser706Pro)

Genes: GRM6 (glutamate metabotropic receptor 6; minus strand), ZNF454 (zinc finger protein 454; plus strand). Cytogenetic location: 5q35.3.
Variant type: single nucleotide variant.
Coding change: c.2116T>C on transcript NM_000843.4 (MANE Select); coding-DNA position 2116, T replaced by C.
Protein change: p.Ser706Pro; replaces serine 706 with proline.
Molecular consequence: missense variant.
Genome position (GRCh38, 1-based): chr5:178,986,138, A>G on the plus strand (T>C on the coding strand, the complement: GRM6 is on the minus strand). VCF-style: chr5-178986138-A-G. GRCh37 (hg19) VCF-style: chr5-178413139-A-G.
Other names: short protein forms S706P.
Identifiers: ClinVar variation 1381382 (VCV001381382.8), dbSNP rs1325309872, ClinGen allele CA362425398.